The following is an entry in ClinVar:

ClinVar aggregate classification (germline): Pathogenic (1 of 4 stars; one submission).

Submission:

Labcorp Genetics (formerly Invitae), Labcorp
Classification: Pathogenic. Last evaluated: 2023-09-06. Review status: criteria provided, single submitter. Criteria: Invitae Variant Classification Sherloc (09022015). Collection method: clinical testing. Allele origin: germline.
Comment: This sequence change creates a premature translational stop signal (p.Lys87*) in the MPV17 gene. It is expected to result in an absent or disrupted protein product. Loss-of-function variants in MPV17 are known to be pathogenic (PMID: 23714749). This variant is not present in population databases (gnomAD no frequency). This variant has not been reported in the literature in individuals affected with MPV17-related conditions. For these reasons, this variant has been classified as Pathogenic.

Literature cited by the submitters: PubMed 23714749.

NM_002437.5(MPV17):c.259A>T (p.Lys87Ter)

Gene: MPV17 (mitochondrial inner membrane protein MPV17; minus strand). Cytogenetic location: 2p23.3.
Variant type: single nucleotide variant.
Coding change: c.259A>T on transcript NM_002437.5 (MANE Select); coding-DNA position 259, A replaced by T.
Protein change: p.Lys87Ter; replaces lysine 87 with a stop codon.
Molecular consequence: nonsense.
Genome position (GRCh38, 1-based): chr2:27,312,700, T>A on the plus strand (A>T on the coding strand, the complement: MPV17 is on the minus strand). VCF-style: chr2-27312700-T-A. GRCh37 (hg19) VCF-style: chr2-27535567-T-A.
Other names: short protein forms K87*.
Identifiers: ClinVar variation 2725770 (VCV002725770.3), dbSNP rs2465682928, ClinGen allele CA346208555.